The following is an entry in ClinVar:

ClinVar aggregate classification (germline): Uncertain significance. Review status: criteria provided, multiple submitters, no conflicts (2 of 4 stars). 3 submissions from 3 submitters: Uncertain significance (3). Last evaluated 2024-12-17.

Conditions:
Cardiovascular phenotype. Identifiers: MedGen CN230736.
Hypertrophic cardiomyopathy 14. Identifiers: MedGen C2750467, MONDO:0013197, OMIM 613251.

Allele frequency attached by ClinVar (database versions not stated): gnomAD exomes 0.00001; ExAC 0.00002.
gnomAD v4.1: 6 of 1,614,140 alleles (0.00037%); highest among the groups gnomAD compares: East Asian, 0.0022%; no homozygotes.

Submissions (3):

Labcorp Genetics (formerly Invitae), Labcorp
Classification: Uncertain significance for Hypertrophic cardiomyopathy 14. Last evaluated: 2024-12-17. Review status: criteria provided, single submitter. Criteria: Invitae Variant Classification Sherloc (09022015). Collection method: clinical testing. Allele origin: germline.
Comment: This sequence change replaces arginine, which is basic and polar, with cysteine, which is neutral and slightly polar, at codon 190 of the MYH6 protein (p.Arg190Cys). This variant is present in population databases (rs397516777, gnomAD 0.002%). This variant has not been reported in the literature in individuals affected with MYH6-related conditions. ClinVar contains an entry for this variant (Variation ID: 44539). Invitae Evidence Modeling of protein sequence and biophysical properties (such as structural, functional, and spatial information, amino acid conservation, physicochemical variation, residue mobility, and thermodynamic stability) indicates that this missense variant is expected to disrupt MYH6 protein function with a positive predictive value of 80%. In summary, the available evidence is currently insufficient to determine the role of this variant in disease. Therefore, it has been classified as a Variant of Uncertain Significance.

Ambry Genetics
Classification: Uncertain significance for Cardiovascular phenotype. Last evaluated: 2023-05-04. Review status: criteria provided, single submitter. Criteria: Ambry Variant Classification Scheme 2023. Collection method: clinical testing. Allele origin: germline.

Laboratory for Molecular Medicine, Mass General Brigham Personalized Medicine
Classification: Uncertain significance. Last evaluated: 2015-06-10. Review status: criteria provided, single submitter. Criteria: LMM Criteria. Collection method: clinical testing. Allele origin: germline. Observed: 2 variant alleles.
Comment: The p.Arg190Cys variant in MYH6 not been identified in any other families with c ardiomyopathy, but has been identified in 2/66728 European chromosomes by the Ex ome Aggregation Consortium (ExAC; dbSNP rs397516 777). Computational prediction tools and conservation analysis suggest that the p.Arg190Cys variant may impact the protein, though this information is not predi ctive enough to determine pathogenicity. In summary, the clinical significance o f the p.Arg190Cys variant is uncertain.

NM_002471.4(MYH6):c.568C>T (p.Arg190Cys)

Genes: MYH6 (myosin heavy chain 6; minus strand), LOC114827851 (VISTA enhancer hs2155; plus strand). Cytogenetic location: 14q11.2.
Variant type: single nucleotide variant.
Coding change: c.568C>T on transcript NM_002471.4 (MANE Select); coding-DNA position 568, C replaced by T.
Protein change: p.Arg190Cys; replaces arginine 190 with cysteine.
Molecular consequence: missense variant.
Genome position (GRCh38, 1-based): chr14:23,404,785, G>A on the plus strand (C>T on the coding strand, the complement: MYH6 is on the minus strand). VCF-style: chr14-23404785-G-A. GRCh37 (hg19) VCF-style: chr14-23873994-G-A.
Other names: short protein forms R190C.
Identifiers: ClinVar variation 44539 (VCV000044539.8), dbSNP rs397516777, ClinGen allele CA134482.